The following is an entry in ClinVar:

NM_206933.4(USH2A):c.4046del (p.Ser1349fs)

Genes: USH2A (usherin; minus strand), USH2A-AS1 (USH2A antisense RNA 1; plus strand). Cytogenetic location: 1q41.
Variant type: Deletion.
Coding change: c.4046del on transcript NM_206933.4 (MANE Select); coding-DNA position 4046, one base deleted (C; older notation c.4046delC).
Protein change: p.Ser1349fs; shifts the reading frame from serine 1349.
Molecular consequence: frameshift variant.
Genome position (GRCh38, 1-based): chr1:216,198,350, G deleted on the plus strand (C on the coding strand, the reverse complement: USH2A is on the minus strand). VCF-style (leftmost placement, unchanged base first): chr1-216198349-AG-A. GRCh37 (hg19) VCF-style: chr1-216371691-AG-A.
Other names: c.4046del, p.Ser1349fs (NM_007123.6); short protein forms S1349fs.
Identifiers: ClinVar variation 843266 (VCV000843266.16), dbSNP rs2034899784, ClinGen allele CA916082137.

ClinVar aggregate classification (germline): Pathogenic. Review status: criteria provided, multiple submitters, no conflicts (2 of 4 stars). 8 submissions from 7 submitters: Pathogenic (8). Last evaluated 2025-12-29.

Conditions:
USH2A-related disorder. Also called: USH2A-related disorders; USH2A-related condition. Identifiers: MedGen CN239332.
Usher syndrome type 2A. Also called: RETINAL DISEASE IN USHER SYNDROME TYPE IIA, MODIFIER OF; USHER SYNDROME, TYPE IIA. Identifiers: Orphanet 231178, Orphanet 886, MedGen C1848634, MONDO:0010169, OMIM 276901.
Retinitis pigmentosa 39 (RP39). Identifiers: Orphanet 791, MedGen C3151138, MONDO:0013436, OMIM 613809.

Submissions (8):

Natera, Inc.
Classification: Pathogenic for Usher syndrome type 2A. Last evaluated: 2025-12-29. Review status: criteria provided, single submitter. Criteria: Natera Variant Classification Schema (03/2026). Collection method: clinical testing. Allele origin: germline.
Comment: The c.4046del variant in USH2A is a frameshift variant predicted to shift the reading frame beginning at codon 1349 and leads to a stop codon 17 codons downstream. This variant is expected to result in nonsense mediated decay, truncation, or a dysfunctional protein product. This variant is rare in the general population with a frequency below the threshold expected for the associated phenotype(s). This variant has been observed in one or more individuals affected with the associated recessive disease, as either homozygous or compound heterozygous with a second variant (PMID: 25558175). Given the available evidence, this variant is classified as Pathogenic.

Myriad Genetics, Inc.
Classification: Pathogenic for USH2A-related disorder. Last evaluated: 2025-06-05. Review status: criteria provided, single submitter. Criteria: Myriad Autosomal Dominant, Autosomal Recessive and X-Linked Classification Criteria (2023). Collection method: clinical testing. Allele origin: unknown.
Comment: NM_206933.2(USH2A):c.4046delC(S1349Ffs*17) is a frameshift variant classified as pathogenic in the context of USH2A-related disorders. S1349Ffs*17 has been observed in cases with relevant disease (PMID: 25558175, 30073356, 34781295). Relevant functional assessments of this variant are not available in the literature. S1349Ffs*17 has not been observed in referenced population frequency databases. In summary, NM_206933.2(USH2A):c.4046delC(S1349Ffs*17) is a frameshift variant in a gene where loss of function is a known mechanism of disease, is predicted to disrupt protein function, and has been observed more frequently in cases with the relevant disease than in healthy populations. Please note: this variant was assessed in the context of healthy population screening.

Baylor Genetics
Classification: Pathogenic for Retinitis pigmentosa 39. Last evaluated: 2024-03-07. Review status: criteria provided, single submitter. Criteria: ACMG Guidelines, 2015. Collection method: clinical testing. Allele origin: unknown.

Fulgent Genetics
Classification: Pathogenic for Usher syndrome type 2A; Retinitis pigmentosa 39. Last evaluated: 2023-12-24. Review status: criteria provided, single submitter. Criteria: ACMG Guidelines, 2015. Collection method: clinical testing. Allele origin: germline.

Genome-Nilou Lab
Classification: Pathogenic for Retinitis pigmentosa 39. Last evaluated: 2023-11-04. Review status: criteria provided, single submitter. Criteria: ACMG Guidelines, 2015. Collection method: clinical testing. Allele origin: germline. Affected: no.

Genome-Nilou Lab
Classification: Pathogenic for Usher syndrome type 2A. Last evaluated: 2023-11-04. Review status: criteria provided, single submitter. Criteria: ACMG Guidelines, 2015. Collection method: clinical testing. Allele origin: germline. Affected: no.

Labcorp Genetics (formerly Invitae), Labcorp
Classification: Pathogenic. Last evaluated: 2023-09-19. Review status: criteria provided, single submitter. Criteria: Invitae Variant Classification Sherloc (09022015). Collection method: clinical testing. Allele origin: germline.
Comment: This variant is not present in population databases (gnomAD no frequency). This sequence change creates a premature translational stop signal (p.Ser1349Phefs*17) in the USH2A gene. It is expected to result in an absent or disrupted protein product. Loss-of-function variants in USH2A are known to be pathogenic (PMID: 10729113, 10909849, 20507924, 25649381). This premature translational stop signal has been observed in individuals with Usher syndrome (PMID: 25558175, 30073356). ClinVar contains an entry for this variant (Variation ID: 843266). For these reasons, this variant has been classified as Pathogenic.

Blueprint Genetics
Classification: Pathogenic for USH2A-related disorders. Last evaluated: 2019-09-30. Review status: criteria provided, single submitter. Criteria: ACMG Guidelines, 2015. Collection method: clinical testing. Allele origin: germline. Affected: yes. Observed: 3 variant alleles.

Literature cited by the submitters: PubMed 25558175 (cited by 3 submitters); PubMed 30073356 (cited by Myriad Genetics, Inc. and Labcorp Genetics (formerly Invitae), Labcorp); PubMed 34781295 (cited by Myriad Genetics, Inc.); PubMed 10729113 (cited by Labcorp Genetics (formerly Invitae), Labcorp); PubMed 10909849 (cited by Labcorp Genetics (formerly Invitae), Labcorp); PubMed 20507924 (cited by Labcorp Genetics (formerly Invitae), Labcorp); PubMed 25649381 (cited by Labcorp Genetics (formerly Invitae), Labcorp).